The following is an entry in ClinVar:

ClinVar aggregate classification (germline): Uncertain significance (1 of 4 stars; one submission).

Conditions:
Lipodystrophy, partial, acquired, susceptibility to (APLD). Also called: APLD, SUSCEPTIBILITY TO. Identifiers: MedGen C3887501, MONDO:0100476, OMIM 608709.
Progressive myoclonic epilepsy type 9. Identifiers: Orphanet 457265, MedGen C4225289, MONDO:0014685, OMIM 616540.

Submission:

Labcorp Genetics (formerly Invitae), Labcorp
Classification: Uncertain significance for Progressive myoclonic epilepsy type 9; Lipodystrophy, partial, acquired, susceptibility to. Last evaluated: 2022-02-02. Review status: criteria provided, single submitter. Criteria: Invitae Variant Classification Sherloc (09022015). Collection method: clinical testing. Allele origin: germline.
Comment: In summary, the available evidence is currently insufficient to determine the role of this variant in disease. Therefore, it has been classified as a Variant of Uncertain Significance. Algorithms developed to predict the effect of sequence changes on RNA splicing suggest that this variant may create or strengthen a splice site. Algorithms developed to predict the effect of missense changes on protein structure and function are either unavailable or do not agree on the potential impact of this missense change (SIFT: "Deleterious"; PolyPhen-2: "Probably Damaging"; Align-GVGD: "Class C15"). This variant has not been reported in the literature in individuals affected with LMNB2-related conditions. This variant is not present in population databases (gnomAD no frequency). This sequence change replaces aspartic acid, which is acidic and polar, with asparagine, which is neutral and polar, at codon 245 of the LMNB2 protein (p.Asp245Asn).

NM_032737.4(LMNB2):c.733G>A (p.Asp245Asn)

Gene: LMNB2 (lamin B2; minus strand). Cytogenetic location: 19p13.3.
Variant type: single nucleotide variant.
Coding change: c.733G>A on transcript NM_032737.4 (MANE Select); coding-DNA position 733, G replaced by A.
Protein change: p.Asp245Asn; replaces aspartic acid 245 with asparagine.
Molecular consequence: missense variant.
Genome position (GRCh38, 1-based): chr19:2,435,123, C>T on the plus strand (G>A on the coding strand, the complement: LMNB2 is on the minus strand). VCF-style: chr19-2435123-C-T. GRCh37 (hg19) VCF-style: chr19-2435121-C-T.
Other names: short protein forms D245N.
Identifiers: ClinVar variation 1503094 (VCV001503094.8), dbSNP rs2145449419, ClinGen allele CA403255366.